The following is an entry in ClinVar:

NM_000053.4(ATP7B):c.3378C>T (p.His1126=)

Gene: ATP7B (ATPase copper transporting beta; minus strand). Cytogenetic location: 13q14.3.
Variant type: single nucleotide variant.
Coding change: c.3378C>T on transcript NM_000053.4 (MANE Select); coding-DNA position 3378, C replaced by T.
Protein change: p.His1126=; no amino-acid change (histidine 1126 retained).
Molecular consequence: synonymous variant.
Genome position (GRCh38, 1-based): chr13:51,942,420, G>A on the plus strand (C>T on the coding strand, the complement: ATP7B is on the minus strand). VCF-style: chr13-51942420-G-A. GRCh37 (hg19) VCF-style: chr13-52516556-G-A.
Other names: c.2757C>T, p.His919= (NM_001005918.3); c.3045C>T, p.His1015= (NM_001243182.2); c.3144C>T, p.His1048= (NM_001330578.2); c.3126C>T, p.His1042= (NM_001330579.2).
Identifiers: ClinVar variation 1611640 (VCV001611640.9), dbSNP rs2138847458, ClinGen allele CA483894358.
Genomic context (GRCh38, chr13:51,942,420, plus strand): 5'-GCTGCAGAGACAAAAGCCAGCAATACCTTTTTCTGCGGGAAGGCTGCCAGCCTCATTCAG[G>A]TGACTGGCCGGTGCACTCAAAGGGCGCTCACTGTGGGCCAGGATGCCTTCCACGTTGCTG-3'
Protein context (NP_000044.2, residues 1116-1136): SERPLSAPAS[His1126=]LNEAGSLPAE

ClinVar aggregate classification (germline): Likely benign. Review status: criteria provided, multiple submitters, no conflicts (2 of 4 stars). 2 submissions from 2 submitters: Likely benign (2). Last evaluated 2024-02-05.

Conditions:
Wilson disease (WND). Also called: Wilson's disease. Identifiers: Orphanet 905, MedGen C0019202, MONDO:0010200, OMIM 277900. Disease mechanism: loss of function.

Allele frequency attached by ClinVar (database versions not stated): gnomAD exomes below 0.00001.
gnomAD v4.1: 3 of 1,614,234 alleles (0.00019%); highest among the groups gnomAD compares: Non-Finnish European, 0.00025%; no homozygotes.

Submissions (2):

All of Us Research Program, National Institutes of Health
Classification: Likely benign for Wilson disease. Last evaluated: 2024-02-05. Review status: criteria provided, single submitter. Criteria: ACMG Guidelines, 2015. Collection method: clinical testing. Allele origin: germline. Inheritance: Autosomal recessive inheritance. Observed: 1 variant allele, 1 heterozygote.
Comment: This study involves interpretation of variants in research participants for the purpose of population health screening. Participant phenotype was not available at the time of variant classification. Additional details can be found in publication PMID: 35346344, PMCID: PMC8962531

Labcorp Genetics (formerly Invitae), Labcorp
Classification: Likely benign for Wilson disease. Last evaluated: 2022-11-22. Review status: criteria provided, single submitter. Criteria: Invitae Variant Classification Sherloc (09022015). Collection method: clinical testing. Allele origin: germline.